The following is an entry in ClinVar:

ClinVar aggregate classification (germline): Uncertain significance. Review status: reviewed by expert panel (3 of 4 stars). 2 submissions from 2 submitters: Uncertain significance (1). 1 of the submissions does not count toward it. Last evaluated 2024-07-17.

Conditions:
Hereditary thrombocytopenia and hematological cancer predisposition syndrome associated with RUNX1. Also called: PLATELET DISORDER, ASPIRIN-LIKE; Familial Platelet Disorder with Propensity to Acute Myelogenous Leukemia; Familial thrombocytopenia with propensity to acute myelogenous leukemia; RUNX1 Familial Platelet Disorder with Associated Myeloid Malignancies. Identifiers: Orphanet 71290, MedGen C1832388, MeSH C563324, MONDO:0100083, OMIM 601399.
Hereditary thrombocytopenia and hematologic cancer predisposition syndrome. Identifiers: Orphanet 71290, MedGen CN281654, MONDO:0011071.

Submissions (2):

ClinGen Myeloid Malignancy Variant Curation Expert Panel
Classification: Uncertain significance for Hereditary thrombocytopenia and hematologic cancer predisposition syndrome. Last evaluated: 2024-07-17. Review status: reviewed by expert panel. Criteria: ClinGen MyeloMalig ACMG Specifications v2. Collection method: curation. Allele origin: germline. Inheritance: Autosomal dominant inheritance.
Comment: NM_001754.5(RUNX1):c.1427T>C (p.Val476Ala) is not present in the gnomAD database (PM2_supporting). No other evidence is available. In summary, the clinical significance of this variant is uncertain. ACMG/AMP criteria applied, as specified by the Myeloid Malignancy Variant Curation Expert Panel for RUNX1: PM2_supporting.

Labcorp Genetics (formerly Invitae), Labcorp
Classification: Uncertain significance for Hereditary thrombocytopenia and hematological cancer predisposition syndrome associated with RUNX1. Last evaluated: 2022-07-06. Review status: criteria provided, single submitter. Criteria: Invitae Variant Classification Sherloc (09022015). Collection method: clinical testing. Allele origin: germline. Not counted in ClinVar's aggregate classification.
Comment: Algorithms developed to predict the effect of missense changes on protein structure and function (SIFT, PolyPhen-2, Align-GVGD) all suggest that this variant is likely to be disruptive. ClinVar contains an entry for this variant (Variation ID: 1052351). This variant has not been reported in the literature in individuals affected with RUNX1-related conditions. This variant is not present in population databases (gnomAD no frequency). This sequence change replaces valine, which is neutral and non-polar, with alanine, which is neutral and non-polar, at codon 476 of the RUNX1 protein (p.Val476Ala). In summary, the available evidence is currently insufficient to determine the role of this variant in disease. Therefore, it has been classified as a Variant of Uncertain Significance.

NM_001754.5(RUNX1):c.1427T>C (p.Val476Ala)

Gene: RUNX1 (RUNX family transcription factor 1; minus strand). Cytogenetic location: 21q22.12.
Variant type: single nucleotide variant.
Coding change: c.1427T>C on transcript NM_001754.5 (MANE Select); coding-DNA position 1427, T replaced by C.
Protein change: p.Val476Ala; replaces valine 476 with alanine.
Molecular consequence: missense variant.
Genome position (GRCh38, 1-based): chr21:34,792,151, A>G on the plus strand (T>C on the coding strand, the complement: RUNX1 is on the minus strand). VCF-style: chr21-34792151-A-G. GRCh37 (hg19) VCF-style: chr21-36164448-A-G.
Other names: NM_001754.5(RUNX1):c.1427T>C; p.Val476Ala; c.1346T>C, p.Val449Ala (NM_001001890.3); short protein forms V449A, V476A.
Identifiers: ClinVar variation 1052351 (VCV001052351.10), dbSNP rs2145871712, ClinGen allele CA410146607.